The following is an entry in ClinVar:

ClinVar aggregate classification (germline): Uncertain significance (1 of 4 stars; one submission).

Conditions:
CHARGE syndrome (CHARGE). Also called: Hittner Hirsch Kreh syndrome; CHARGE ASSOCIATION--COLOBOMA, HEART ANOMALY, CHOANAL ATRESIA, RETARDATION, GENITAL AND EAR ANOMALIES; Coloboma, heart anomaly, choanal atresia, retardation, genital and ear anomalies; CHARGE association; Hall-Hittner syndrome. Identifiers: Orphanet 138, MedGen C0265354, MONDO:0008965.

Submission:

Labcorp Genetics (formerly Invitae), Labcorp
Classification: Uncertain significance for CHARGE syndrome. Last evaluated: 2024-08-14. Review status: criteria provided, single submitter. Criteria: Invitae Variant Classification Sherloc (09022015). Collection method: clinical testing. Allele origin: germline.
Comment: This sequence change replaces proline, which is neutral and non-polar, with serine, which is neutral and polar, at codon 2384 of the CHD7 protein (p.Pro2384Ser). This variant is not present in population databases (gnomAD no frequency). This variant has not been reported in the literature in individuals affected with CHD7-related conditions. Invitae Evidence Modeling of protein sequence and biophysical properties (such as structural, functional, and spatial information, amino acid conservation, physicochemical variation, residue mobility, and thermodynamic stability) indicates that this missense variant is not expected to disrupt CHD7 protein function with a negative predictive value of 95%. In summary, the available evidence is currently insufficient to determine the role of this variant in disease. Therefore, it has been classified as a Variant of Uncertain Significance.

NM_017780.4(CHD7):c.7150C>T (p.Pro2384Ser)

Gene: CHD7 (chromodomain helicase DNA binding protein 7; plus strand). Cytogenetic location: 8q12.2.
Variant type: single nucleotide variant.
Coding change: c.7150C>T on transcript NM_017780.4 (MANE Select); coding-DNA position 7150, C replaced by T.
Protein change: p.Pro2384Ser; replaces proline 2384 with serine.
Molecular consequence: missense variant. On other transcripts: intron variant (1).
Genome position (GRCh38, 1-based): chr8:60,856,188, C>T. VCF-style: chr8-60856188-C-T. GRCh37 (hg19) VCF-style: chr8-61768747-C-T.
Other names: c.1717-6041C>T (NM_001316690.1); short protein forms P2384S.
Identifiers: ClinVar variation 3705005 (VCV003705005.2).